The following is an entry in ClinVar:

NM_019109.5(ALG1):c.1170T>A (p.Cys390Ter)

Gene: ALG1 (ALG1 chitobiosyldiphosphodolichol beta-mannosyltransferase; plus strand). Cytogenetic location: 16p13.3.
Variant type: single nucleotide variant.
Coding change: c.1170T>A on transcript NM_019109.5 (MANE Select); coding-DNA position 1170, T replaced by A.
Protein change: p.Cys390Ter; replaces cysteine 390 with a stop codon.
Molecular consequence: nonsense.
Genome position (GRCh38, 1-based): chr16:5,082,656, T>A. VCF-style: chr16-5082656-T-A. GRCh37 (hg19) VCF-style: chr16-5132657-T-A.
Other names: c.837T>A, p.Cys279Ter (NM_001330504.2); short protein forms C279*, C390*.
Identifiers: ClinVar variation 3683233 (VCV003683233.2).

ClinVar aggregate classification (germline): Pathogenic (1 of 4 stars; one submission).

Conditions:
ALG1-congenital disorder of glycosylation. Also called: ALG1-CDG; CONGENITAL DISORDER OF GLYCOSYLATION, TYPE Ik; CDG Ik. Identifiers: Orphanet 79327, MedGen C2931005, MONDO:0012052, OMIM 608540.

Submission:

Labcorp Genetics (formerly Invitae), Labcorp
Classification: Pathogenic for ALG1-congenital disorder of glycosylation. Last evaluated: 2024-03-15. Review status: criteria provided, single submitter. Criteria: Invitae Variant Classification Sherloc (09022015). Collection method: clinical testing. Allele origin: germline.
Comment: This sequence change creates a premature translational stop signal (p.Cys390*) in the ALG1 gene. It is expected to result in an absent or disrupted protein product. Loss-of-function variants in ALG1 are known to be pathogenic (PMID: 20679665, 23806237). This variant is not present in population databases (gnomAD no frequency). This variant has not been reported in the literature in individuals affected with ALG1-related conditions. For these reasons, this variant has been classified as Pathogenic.

Literature cited by the submitters: PubMed 20679665; PubMed 23806237.